The following is an entry in ClinVar:

NM_000540.3(RYR1):c.3809G>C (p.Arg1270Pro)

Gene: RYR1 (ryanodine receptor 1; plus strand). Cytogenetic location: 19q13.2.
Variant type: single nucleotide variant.
Coding change: c.3809G>C on transcript NM_000540.3 (MANE Select); coding-DNA position 3809, G replaced by C.
Protein change: p.Arg1270Pro; replaces arginine 1270 with proline.
Molecular consequence: missense variant.
Genome position (GRCh38, 1-based): chr19:38,473,420, G>C. VCF-style: chr19-38473420-G-C. GRCh37 (hg19) VCF-style: chr19-38964060-G-C.
Other names: c.3809G>C, p.Arg1270Pro (NM_001042723.2); short protein forms R1270P.
Identifiers: ClinVar variation 1950383 (VCV001950383.3), dbSNP rs762397196, ClinGen allele CA065221.

ClinVar aggregate classification (germline): Uncertain significance. Review status: criteria provided, multiple submitters, no conflicts (2 of 4 stars). 2 submissions from 2 submitters: Uncertain significance (2). Last evaluated 2024-01-11.

Conditions:
RYR1-related disorder. Also called: RYR1-related condition; RYR1-related disorders. Identifiers: MedGen CN239331.
Malignant hyperthermia, susceptibility to, 1 (MHS1). Also called: Malignant hyperthermia suceptibility 1; Anesthesia related hyperthermia; Malignant hyperpyrexia; Fulminating hyperpyrexia; Pharmacogenic myopathy; RYR1-Related Malignant Hyperthermia Susceptibility. Identifiers: Orphanet 423, MedGen C2930980, MONDO:0007783, OMIM 145600.

Allele frequency attached by ClinVar (database versions not stated): ExAC 0.00001.
gnomAD v4.1: 3 of 1,613,722 alleles (0.00019%); highest among the groups gnomAD compares: African/African-American, 0.004%; no homozygotes.

Submissions (2):

All of Us Research Program, National Institutes of Health
Classification: Uncertain significance for Malignant hyperthermia, susceptibility to, 1. Last evaluated: 2024-01-11. Review status: criteria provided, single submitter. Criteria: ACMG Guidelines, 2015. Collection method: clinical testing. Allele origin: germline. Inheritance: Autosomal dominant inheritance. Observed: 1 variant allele, 1 heterozygote.
Comment: This study involves interpretation of variants in research participants for the purpose of population health screening. Participant phenotype was not available at the time of variant classification. Additional details can be found in publication PMID: 35346344, PMCID: PMC8962531

Labcorp Genetics (formerly Invitae), Labcorp
Classification: Uncertain significance for RYR1-related disorder. Last evaluated: 2022-01-05. Review status: criteria provided, single submitter. Criteria: Invitae Variant Classification Sherloc (09022015). Collection method: clinical testing. Allele origin: germline.
Comment: This sequence change replaces arginine, which is basic and polar, with proline, which is neutral and non-polar, at codon 1270 of the RYR1 protein (p.Arg1270Pro). This variant is present in population databases (rs762397196, gnomAD 0.007%). This variant has not been reported in the literature in individuals affected with RYR1-related conditions. Advanced modeling of protein sequence and biophysical properties (such as structural, functional, and spatial information, amino acid conservation, physicochemical variation, residue mobility, and thermodynamic stability) performed at Invitae indicates that this missense variant is expected to disrupt RYR1 protein function. In summary, the available evidence is currently insufficient to determine the role of this variant in disease. Therefore, it has been classified as a Variant of Uncertain Significance.